The following is an entry in ClinVar:

NM_001844.5(COL2A1):c.1457G>A (p.Gly486Asp)

Gene: COL2A1 (collagen type II alpha 1 chain; minus strand). Cytogenetic location: 12q13.11.
Variant type: single nucleotide variant.
Coding change: c.1457G>A on transcript NM_001844.5 (MANE Select); coding-DNA position 1457, G replaced by A.
Protein change: p.Gly486Asp; replaces glycine 486 with aspartic acid.
Molecular consequence: missense variant.
Genome position (GRCh38, 1-based): chr12:47,986,406, C>T on the plus strand (G>A on the coding strand, the complement: COL2A1 is on the minus strand). VCF-style: chr12-47986406-C-T. GRCh37 (hg19) VCF-style: chr12-48380189-C-T.
Other names: c.1250G>A, p.Gly417Asp (NM_033150.3); short protein forms G417D, G486D.
Identifiers: ClinVar variation 974866 (VCV000974866.6), dbSNP rs1939412490, ClinGen allele CA384552753.

ClinVar aggregate classification (germline): Likely pathogenic. Review status: criteria provided, multiple submitters, no conflicts (2 of 4 stars). 2 submissions from 2 submitters: Likely pathogenic (2). Last evaluated 2021-03-25.

Conditions:
Spondyloepiphyseal dysplasia congenita (SEDC). Also called: SED CONGENITA; SPONDYLOEPIPHYSEAL DYSPLASIA, CONGENITAL TYPE. Identifiers: Orphanet 94068, MedGen C2745959, MONDO:0008471, OMIM 183900.

Submissions (2):

Labcorp Genetics (formerly Invitae), Labcorp
Classification: Likely pathogenic. Last evaluated: 2021-03-25. Review status: criteria provided, single submitter. Criteria: Invitae Variant Classification Sherloc (09022015). Collection method: clinical testing. Allele origin: germline.
Comment: This variant disrupts the triple helix domain of COL2A1. Glycine residues within the Gly-Xaa-Yaa repeats of the triple helix domain are required for the structure and stability of fibrillar collagens (PMID: 7695699, 8218237, 19344236). In COL2A1, variants affecting these glycine residues are significantly enriched in individuals with disease (PMID: 9016532, 17078022) compared to the general population (ExAC). Advanced modeling of protein sequence and biophysical properties (such as structural, functional, and spatial information, amino acid conservation, physicochemical variation, residue mobility, and thermodynamic stability) performed at Invitae indicates that this missense variant is expected to disrupt COL2A1 protein function. This variant has been observed in individual(s) with clinical features of autosomal dominant COL2A1-related conditions (PMID: 32860008). ClinVar contains an entry for this variant (Variation ID: 974866). This variant is not present in population databases (ExAC no frequency). This sequence change replaces glycine with aspartic acid at codon 486 of the COL2A1 protein (p.Gly486Asp). The glycine residue is highly conserved and there is a moderate physicochemical difference between glycine and aspartic acid. In summary, the currently available evidence indicates that the variant is pathogenic, but additional data are needed to prove that conclusively. Therefore, this variant has been classified as Likely Pathogenic.

CENTOGENE GmbH and LLC - Guiding Precision Medicine
Classification: Likely pathogenic for Spondyloepiphyseal dysplasia congenita. Review status: criteria provided, single submitter. Criteria: ACMG Guidelines, 2015. Collection method: clinical testing. Allele origin: germline. Affected: yes.

Literature cited by the submitters: PubMed 7695699 (cited by Labcorp Genetics (formerly Invitae), Labcorp); PubMed 8218237 (cited by Labcorp Genetics (formerly Invitae), Labcorp); PubMed 19344236 (cited by Labcorp Genetics (formerly Invitae), Labcorp); PubMed 9016532 (cited by Labcorp Genetics (formerly Invitae), Labcorp); PubMed 17078022 (cited by Labcorp Genetics (formerly Invitae), Labcorp); PubMed 32860008 (cited by Labcorp Genetics (formerly Invitae), Labcorp and CENTOGENE GmbH and LLC - Guiding Precision Medicine).